The following is an entry in ClinVar:

ClinVar aggregate classification (germline): Benign/Likely benign. Review status: criteria provided, multiple submitters, no conflicts (2 of 4 stars). 5 submissions from 5 submitters: Benign (2); Likely benign (3). Last evaluated 2025-12-30.

Conditions:
Hereditary cancer-predisposing syndrome. Also called: Tumor predisposition; Neoplastic Syndromes, Hereditary; Hereditary Cancer Syndrome; Hereditary neoplastic syndrome. Identifiers: Orphanet 140162, MedGen C0027672, MeSH D009386, MONDO:0015356.
Tuberous sclerosis syndrome (TSC). Also called: Tuberous Sclerosis Complex; Tuberous sclerosis. Identifiers: Orphanet 805, MedGen C0041341, MONDO:0001734.
Tuberous sclerosis 2 (TSC2). Identifiers: Orphanet 805, MedGen C1860707, MONDO:0013199, OMIM 613254.

Allele frequency attached by ClinVar (database versions not stated): TOPMed below 0.00001; ExAC 0.00001; gnomAD exomes below 0.00001 and 0.00001; gnomAD 0.00001.
gnomAD v4.1: 7 of 1,611,450 alleles (0.00043%); highest among the groups gnomAD compares: South Asian, 0.0011%; no homozygotes.

Submissions (5):

Labcorp Genetics (formerly Invitae), Labcorp
Classification: Likely benign for Tuberous sclerosis 2. Last evaluated: 2025-12-30. Review status: criteria provided, single submitter. Criteria: Invitae Variant Classification Sherloc (09022015). Collection method: clinical testing. Allele origin: germline.

Myriad Genetics, Inc.
Classification: Benign for Tuberous sclerosis 2. Last evaluated: 2025-05-20. Review status: criteria provided, single submitter. Criteria: Myriad Autosomal Dominant, Autosomal Recessive and X-Linked Classification Criteria (2023). Collection method: clinical testing. Allele origin: unknown.
Comment: This variant is considered benign. This variant is a silent/synonymous amino acid change and it is not expected to impact splicing.

Color Diagnostics, LLC DBA Color Health
Classification: Likely benign for Tuberous sclerosis syndrome. Last evaluated: 2024-05-21. Review status: criteria provided, single submitter. Criteria: ACMG Guidelines, 2015. Collection method: clinical testing. Allele origin: germline.

Genome-Nilou Lab
Classification: Benign for Tuberous sclerosis 2. Last evaluated: 2021-11-07. Review status: criteria provided, single submitter. Criteria: ACMG Guidelines, 2015. Collection method: clinical testing. Allele origin: germline. Affected: no.

Ambry Genetics
Classification: Likely benign for Hereditary cancer-predisposing syndrome. Last evaluated: 2017-06-05. Review status: criteria provided, single submitter. Criteria: Ambry Variant Classification Scheme 2023. Collection method: clinical testing. Allele origin: germline.

NM_000548.5(TSC2):c.2526A>G (p.Pro842=)

Gene: TSC2 (TSC complex subunit 2; plus strand). Cytogenetic location: 16p13.3.
Variant type: single nucleotide variant.
Coding change: c.2526A>G on transcript NM_000548.5 (MANE Select); coding-DNA position 2526, A replaced by G.
Protein change: p.Pro842=; no amino-acid change (proline 842 retained).
Molecular consequence: synonymous variant.
Genome position (GRCh38, 1-based): chr16:2,074,370, A>G. VCF-style: chr16-2074370-A-G. GRCh37 (hg19) VCF-style: chr16-2124371-A-G.
Other names: c.2526A>G, p.Pro842= (NM_001077183.3, NM_001114382.3, NM_001363528.2 and 3 more transcripts); c.2415A>G, p.Pro805= (NM_001318827.2); c.2379A>G, p.Pro793= (NM_001318829.2); c.1926A>G, p.Pro642= (NM_001318831.2); c.2559A>G, p.Pro853= (NM_001318832.2).
Identifiers: ClinVar variation 486621 (VCV000486621.19), dbSNP rs753466189, ClinGen allele CA039354.
Genomic context (GRCh38, chr16:2,074,370, plus strand): 5'-GCTGCCTGTTCTGGTGGTGAAGCTCACGCACATCTCAGCCACAGCCAGCATGGCCGTCCC[A>G]CTGCTGGAGTTCCTGTCCAGTGAGTCCCCGCCCTGCCTGCGCATGCACCCGAGAGGTTCG-3'
Protein context (NP_000539.2, residues 832-852): HISATASMAV[Pro842=]LLEFLSTLAR